The following is an entry in ClinVar:

ClinVar aggregate classification (germline): Uncertain significance (1 of 4 stars; one submission).

Allele frequency attached by ClinVar (database versions not stated): gnomAD 0.00001; TOPMed 0.00003; ExAC 0.00004; gnomAD exomes 0.00005.
gnomAD v4.1: 24 of 1,613,512 alleles (0.0015%); highest among the groups gnomAD compares: Admixed American, 0.04%; no homozygotes.

Submission:

Labcorp Genetics (formerly Invitae), Labcorp
Classification: Uncertain significance. Last evaluated: 2022-07-13. Review status: criteria provided, single submitter. Criteria: Invitae Variant Classification Sherloc (09022015). Collection method: clinical testing. Allele origin: germline.
Comment: This sequence change replaces arginine, which is basic and polar, with serine, which is neutral and polar, at codon 732 of the ADAM9 protein (p.Arg732Ser). This variant is present in population databases (rs778628683, gnomAD 0.03%). This variant has not been reported in the literature in individuals affected with ADAM9-related conditions. ClinVar contains an entry for this variant (Variation ID: 836431). Algorithms developed to predict the effect of missense changes on protein structure and function are either unavailable or do not agree on the potential impact of this missense change (SIFT: "Deleterious"; PolyPhen-2: "Probably Damaging"; Align-GVGD: "Class C0"). In summary, the available evidence is currently insufficient to determine the role of this variant in disease. Therefore, it has been classified as a Variant of Uncertain Significance.

NM_003816.3(ADAM9):c.2196A>T (p.Arg732Ser)

Gene: ADAM9 (ADAM metallopeptidase domain 9; plus strand). Cytogenetic location: 8p11.22.
Variant type: single nucleotide variant.
Coding change: c.2196A>T on transcript NM_003816.3 (MANE Select); coding-DNA position 2196, A replaced by T.
Protein change: p.Arg732Ser; replaces arginine 732 with serine.
Molecular consequence: missense variant. On other transcripts: non-coding transcript variant (2).
Genome position (GRCh38, 1-based): chr8:39,090,174, A>T. VCF-style: chr8-39090174-A-T. GRCh37 (hg19) VCF-style: chr8-38947693-A-T.
Other names: short protein forms R732S.
Identifiers: ClinVar variation 836431 (VCV000836431.4), dbSNP rs778628683, ClinGen allele CA4721822.